The following is an entry in ClinVar:

ClinVar aggregate classification (germline): Uncertain significance (1 of 4 stars; one submission).

gnomAD v4.1: 1 of 1,614,188 alleles (0.000062%); highest among the groups gnomAD compares: Non-Finnish European, 0.000085%; no homozygotes.

Submission:

Labcorp Genetics (formerly Invitae), Labcorp
Classification: Uncertain significance. Last evaluated: 2025-12-14. Review status: criteria provided, single submitter. Criteria: Invitae Variant Classification Sherloc (09022015). Collection method: clinical testing. Allele origin: germline.
Comment: This sequence change replaces glutamine, which is neutral and polar, with histidine, which is basic and polar, at codon 276 of the NTRK2 protein (p.Gln276His). This variant is not present in population databases (gnomAD no frequency). This variant has not been reported in the literature in individuals affected with NTRK2-related conditions. Invitae Evidence Modeling of protein sequence and biophysical properties (such as structural, functional, and spatial information, amino acid conservation, physicochemical variation, residue mobility, and thermodynamic stability) indicates that this missense variant is not expected to disrupt NTRK2 protein function with a negative predictive value of 80%. In summary, the available evidence is currently insufficient to determine the role of this variant in disease. Therefore, it has been classified as a Variant of Uncertain Significance.

NM_006180.6(NTRK2):c.828A>C (p.Gln276His)

Gene: NTRK2 (neurotrophic receptor tyrosine kinase 2; plus strand). Cytogenetic location: 9q21.33.
Variant type: single nucleotide variant.
Coding change: c.828A>C on transcript NM_006180.6 (MANE Select); coding-DNA position 828, A replaced by C.
Protein change: p.Gln276His; replaces glutamine 276 with histidine.
Molecular consequence: missense variant.
Genome position (GRCh38, 1-based): chr9:84,724,331, A>C. VCF-style: chr9-84724331-A-C. GRCh37 (hg19) VCF-style: chr9-87339246-A-C.
Other names: c.828A>C, p.Gln276His (NM_001007097.3, NM_001018064.3, NM_001018065.2 and 18 more transcripts); c.360A>C, p.Gln120His (NM_001369535.1, NM_001369536.1, NM_001369550.1 and 2 more transcripts); short protein forms Q276H, Q120H.
Identifiers: ClinVar variation 4742605 (VCV004742605.1).